The following is an entry in ClinVar:

ClinVar aggregate classification (germline): Conflicting classifications of pathogenicity. Review status: criteria provided, conflicting classifications (1 of 4 stars). 4 submissions from 4 submitters: Uncertain significance (3); Likely benign (1). Last evaluated 2025-01-28.

Conditions:
Hereditary cancer-predisposing syndrome. Also called: Tumor predisposition; Hereditary Cancer Syndrome; Neoplastic Syndromes, Hereditary; Hereditary neoplastic syndrome. Identifiers: Orphanet 140162, MedGen C0027672, MeSH D009386, MONDO:0015356.
Hereditary breast ovarian cancer syndrome. Also called: BRCA1- and BRCA2-Associated Hereditary Breast and Ovarian Cancer; Hereditary breast and ovarian cancer syndrome; Hereditary breast and ovarian cancer; Hereditary breast and ovarian cancer syndrome (HBOC); Hereditary breast and/or ovarian cancer syndrome; Breast and ovarian cancer. Identifiers: Orphanet 145, MedGen C0677776, MeSH D061325, MONDO:0003582. Disease mechanism: loss of function.

Allele frequency attached by ClinVar (database versions not stated): gnomAD exomes below 0.00001.
gnomAD v4.1: 1 of 1,614,064 alleles (0.000062%); highest among the groups gnomAD compares: East Asian, 0.0022%; no homozygotes.

Submissions (4):

Labcorp Genetics (formerly Invitae), Labcorp
Classification: Uncertain significance for Hereditary breast ovarian cancer syndrome. Last evaluated: 2025-01-28. Review status: criteria provided, single submitter. Criteria: Invitae Variant Classification Sherloc (09022015). Collection method: clinical testing. Allele origin: germline.
Comment: This sequence change replaces alanine, which is neutral and non-polar, with threonine, which is neutral and polar, at codon 622 of the BRCA1 protein (p.Ala622Thr). This variant is not present in population databases (gnomAD no frequency). This variant has not been reported in the literature in individuals affected with BRCA1-related conditions. ClinVar contains an entry for this variant (Variation ID: 619786). Invitae Evidence Modeling of protein sequence and biophysical properties (such as structural, functional, and spatial information, amino acid conservation, physicochemical variation, residue mobility, and thermodynamic stability) indicates that this missense variant is not expected to disrupt BRCA1 protein function with a negative predictive value of 80%. In summary, the available evidence is currently insufficient to determine the role of this variant in disease. Therefore, it has been classified as a Variant of Uncertain Significance.

University of Washington Department of Laboratory Medicine, University of Washington
Classification: Likely benign for Hereditary cancer-predisposing syndrome. Last evaluated: 2023-03-23. Review status: criteria provided, single submitter. Criteria: Dines et al. (Genet Med. 2020). Collection method: curation. Allele origin: germline.
Comment: Missense variant in a coldspot region where missense variants are very unlikely to be pathogenic (PMID:31911673).

BRCA1 coldspot (exon 11 using historical exon numbering). Reclassification based on statistical prior probability

GeneDx
Classification: Uncertain significance. Last evaluated: 2020-07-14. Review status: criteria provided, single submitter. Criteria: GeneDx Variant Classification Process June 2021. Collection method: clinical testing. Allele origin: germline. Affected: yes.
Comment: Not observed in large population cohorts (Lek et al., 2016); In silico analysis supports that this missense variant has a deleterious effect on protein structure/function; Has not been previously published as pathogenic or benign to our knowledge; Also known as 1983G>A

Quest Diagnostics Nichols Institute San Juan Capistrano
Classification: Uncertain significance. Last evaluated: 2018-01-17. Review status: criteria provided, single submitter. Criteria: Quest Diagnostics criteria. Collection method: clinical testing. Allele origin: germline.

NM_007294.4(BRCA1):c.1864G>A (p.Ala622Thr)

Gene: BRCA1 (BRCA1 DNA repair associated; minus strand). Cytogenetic location: 17q21.31.
Variant type: single nucleotide variant.
Coding change: c.1864G>A on transcript NM_007294.4 (MANE Select); coding-DNA position 1864, G replaced by A.
Protein change: p.Ala622Thr; replaces alanine 622 with threonine.
Molecular consequence: missense variant. On other transcripts: intron variant (137).
Genome position (GRCh38, 1-based): chr17:43,093,667, C>T on the plus strand (G>A on the coding strand, the complement: BRCA1 is on the minus strand). VCF-style: chr17-43093667-C-T. GRCh37 (hg19) VCF-style: chr17-41245684-C-T.
Other names: c.709+1077G>A (NM_001408409.1, NM_001408412.1, NM_001408414.1 and 2 more transcripts); c.574+1077G>A (NM_001408493.1, NM_001408490.1, NM_001408491.1); c.454+1077G>A (NM_001408502.1); c.577+1077G>A (NM_001408479.1, NM_001408489.1, NM_001408481.1 and 9 more transcripts); c.661+1077G>A (NM_001408445.1, NM_001408432.1, NM_001408446.1 and 6 more transcripts); c.667+2179G>A (NM_001408431.1, NM_001408424.1, NM_001408421.1); c.784+1077G>A (NM_001408407.1, NM_001408402.1, NM_001408397.1 and 13 more transcripts); c.1654G>A, p.Ala552Thr (NM_001407886.1, NM_001407887.1, NM_001407889.1 and 13 more transcripts); and 40 more; short protein forms A622T, A575T, A454T, A552T, A581T, A510T, A533T, A534T.
Identifiers: ClinVar variation 619786 (VCV000619786.15), dbSNP rs1567797954, ClinGen allele CA10598290.